The following is an entry in ClinVar:

NM_032043.3(BRIP1):c.2809G>T (p.Asp937Tyr)

Gene: BRIP1 (BRCA1 interacting DNA helicase 1; minus strand). Cytogenetic location: 17q23.2.
Variant type: single nucleotide variant.
Coding change: c.2809G>T on transcript NM_032043.3 (MANE Select); coding-DNA position 2809, G replaced by T.
Protein change: p.Asp937Tyr; replaces aspartic acid 937 with tyrosine.
Molecular consequence: missense variant.
Genome position (GRCh38, 1-based): chr17:61,685,932, C>A on the plus strand (G>T on the coding strand, the complement: BRIP1 is on the minus strand). VCF-style: chr17-61685932-C-A. GRCh37 (hg19) VCF-style: chr17-59763293-C-A.
Other names: short protein forms D937Y.
Identifiers: ClinVar variation 838656 (VCV000838656.11), dbSNP rs2061354513, ClinGen allele CA400481487.

ClinVar aggregate classification (germline): Uncertain significance. Review status: criteria provided, multiple submitters, no conflicts (2 of 4 stars). 4 submissions from 4 submitters: Uncertain significance (4). Last evaluated 2025-05-19.

Conditions:
Familial cancer of breast. Also called: BREAST CANCER, FAMILIAL; hereditary breast carcinoma; Hereditary breast cancer. Identifiers: Orphanet 227535, MedGen C0346153, MONDO:0016419, OMIM 114480. Disease mechanism: loss of function.
Fanconi anemia complementation group J. Also called: BRIP1-Related Fanconi Anemia. Identifiers: Orphanet 84, MedGen C1836860, MONDO:0012187, OMIM 609054.
Hereditary cancer-predisposing syndrome. Also called: Neoplastic Syndromes, Hereditary; Hereditary neoplastic syndrome; Tumor predisposition; Hereditary Cancer Syndrome. Identifiers: Orphanet 140162, MedGen C0027672, MeSH D009386, MONDO:0015356.

Submissions (4):

Ambry Genetics
Classification: Uncertain significance for Hereditary cancer-predisposing syndrome. Last evaluated: 2025-05-19. Review status: criteria provided, single submitter. Criteria: Ambry Variant Classification Scheme 2023. Collection method: clinical testing. Allele origin: germline.
Comment: The p.D937Y variant (also known as c.2809G>T), located in coding exon 18 of the BRIP1 gene, results from a G to T substitution at nucleotide position 2809. The aspartic acid at codon 937 is replaced by tyrosine, an amino acid with highly dissimilar properties. This amino acid position is conserved. In addition, this alteration is predicted to be tolerated by in silico analysis. Based on the available evidence, the clinical significance of this variant remains unclear.

Color Diagnostics, LLC DBA Color Health
Classification: Uncertain significance for Hereditary cancer-predisposing syndrome. Last evaluated: 2025-02-19. Review status: criteria provided, single submitter. Criteria: ACMG Guidelines, 2015. Collection method: clinical testing. Allele origin: germline.
Comment: This missense variant replaces aspartic acid with tyrosine at codon 937 of the BRIP1 protein. Computational prediction suggests that this variant may not impact protein structure and function. To our knowledge, functional studies have not been reported for this variant. This variant has not been reported in individuals affected with BRIP1-related disorders in the literature. This variant has not been identified in the general population by the Genome Aggregation Database (gnomAD). The available evidence is insufficient to determine the role of this variant in disease conclusively. Therefore, this variant is classified as a Variant of Uncertain Significance.

Baylor Genetics
Classification: Uncertain significance for Familial cancer of breast. Last evaluated: 2023-11-06. Review status: criteria provided, single submitter. Criteria: ACMG Guidelines, 2015. Collection method: clinical testing. Allele origin: unknown.

Labcorp Genetics (formerly Invitae), Labcorp
Classification: Uncertain significance for Familial cancer of breast; Fanconi anemia complementation group J. Last evaluated: 2021-04-19. Review status: criteria provided, single submitter. Criteria: Invitae Variant Classification Sherloc (09022015). Collection method: clinical testing. Allele origin: germline.
Comment: In summary, the available evidence is currently insufficient to determine the role of this variant in disease. Therefore, it has been classified as a Variant of Uncertain Significance. Algorithms developed to predict the effect of missense changes on protein structure and function (SIFT, PolyPhen-2, Align-GVGD) all suggest that this variant is likely to be tolerated, but these predictions have not been confirmed by published functional studies and their clinical significance is uncertain. This variant has not been reported in the literature in individuals with BRIP1-related conditions. This variant is not present in population databases (ExAC no frequency). This sequence change replaces aspartic acid with tyrosine at codon 937 of the BRIP1 protein (p.Asp937Tyr). The aspartic acid residue is weakly conserved and there is a large physicochemical difference between aspartic acid and tyrosine.